The following is an entry in ClinVar:

NM_012470.4(TNPO3):c.1840C>T (p.Arg614Cys)

Gene: TNPO3 (transportin 3; minus strand). Cytogenetic location: 7q32.1.
Variant type: single nucleotide variant.
Coding change: c.1840C>T on transcript NM_012470.4 (MANE Select); coding-DNA position 1840, C replaced by T.
Protein change: p.Arg614Cys; replaces arginine 614 with cysteine.
Molecular consequence: missense variant. On other transcripts: non-coding transcript variant (16).
Genome position (GRCh38, 1-based): chr7:128,982,267, G>A on the plus strand (C>T on the coding strand, the complement: TNPO3 is on the minus strand). VCF-style: chr7-128982267-G-A. GRCh37 (hg19) VCF-style: chr7-128622321-G-A.
Other names: c.1648C>T, p.Arg550Cys (NM_001191028.3, NM_001382223.1); c.1942C>T, p.Arg648Cys (NM_001382216.1); c.1921C>T, p.Arg641Cys (NM_001382217.1); c.1840C>T, p.Arg614Cys (NM_001382218.1, NM_001382220.1); c.1732C>T, p.Arg578Cys (NM_001382219.1); c.1696C>T, p.Arg566Cys (NM_001382221.1); c.1693C>T, p.Arg565Cys (NM_001382222.1); short protein forms R565C, R566C, R578C, R641C, R550C, R614C, R648C.
Identifiers: ClinVar variation 1424494 (VCV001424494.6), dbSNP rs745908119, ClinGen allele CA4478049.

ClinVar aggregate classification (germline): Uncertain significance (1 of 4 stars; one submission).

Conditions:
Autosomal dominant limb-girdle muscular dystrophy type 1F (LGMDD2). Also called: Limb-girdle muscular dystrophy, type 1F; MUSCULAR DYSTROPHY, LIMB-GIRDLE, AUTOSOMAL DOMINANT 2. Identifiers: Orphanet 55595, MedGen C1842062, MONDO:0012034, OMIM 608423.

Allele frequency attached by ClinVar (database versions not stated): ExAC 0.00001; gnomAD exomes 0.00001 and 0.00002; gnomAD 0.00003; TOPMed 0.00003.

Submission:

Labcorp Genetics (formerly Invitae), Labcorp
Classification: Uncertain significance for Autosomal dominant limb-girdle muscular dystrophy type 1F. Last evaluated: 2021-11-26. Review status: criteria provided, single submitter. Criteria: Invitae Variant Classification Sherloc (09022015). Collection method: clinical testing. Allele origin: germline.
Comment: In summary, the available evidence is currently insufficient to determine the role of this variant in disease. Therefore, it has been classified as a Variant of Uncertain Significance. This sequence change replaces arginine, which is basic and polar, with cysteine, which is neutral and slightly polar, at codon 614 of the TNPO3 protein (p.Arg614Cys). This variant is present in population databases (rs745908119, gnomAD 0.008%). This variant has not been reported in the literature in individuals affected with TNPO3-related conditions. This missense change has been observed in at least one individual who was not affected with TNPO3-related conditions (Invitae). Algorithms developed to predict the effect of missense changes on protein structure and function are either unavailable or do not agree on the potential impact of this missense change (SIFT: "Deleterious"; PolyPhen-2: "Benign"; Align-GVGD: "Class C25").